The following is an entry in ClinVar:

ClinVar aggregate classification (germline): Benign. Review status: criteria provided, multiple submitters, no conflicts (2 of 4 stars). 2 submissions from 2 submitters: Benign (2). Last evaluated 2018-01-13.

Conditions:
Charcot-Marie-Tooth disease dominant intermediate C (CMTDIC). Also called: CHARCOT-MARIE-TOOTH NEUROPATHY, DOMINANT INTERMEDIATE C. Identifiers: Orphanet 100045, MedGen C1842237, MONDO:0012012, OMIM 608323.

Allele frequency attached by ClinVar (database versions not stated): 1000 Genomes Project 30x 0.00094; 1000 Genomes Project 0.00100; gnomAD 0.00159 and 0.00154; TOPMed 0.00190; gnomAD exomes 0.00181.
gnomAD v4.1: 1,470 of 808,886 alleles (0.18%); highest among the groups gnomAD compares: Middle Eastern, 0.82%; 3 homozygotes.

Submissions (2):

Illumina Laboratory Services, Illumina
Classification: Benign for Charcot-Marie-Tooth disease dominant intermediate C. Last evaluated: 2018-01-13. Review status: criteria provided, single submitter. Criteria: ICSL Variant Classification Criteria 13 December 2019. Collection method: clinical testing. Allele origin: germline.
Comment: This variant was observed in the ICSL laboratory as part of a predisposition screen in an ostensibly healthy population. It had not been previously curated by ICSL or reported in the Human Gene Mutation Database (HGMD: prior to June 1st, 2018), and was therefore a candidate for classification through an automated scoring system. Utilizing variant allele frequency, disease prevalence and penetrance estimates, and inheritance mode, an automated score was calculated to assess if this variant is too frequent to cause the disease. Based on the score and internal cut-off values, a variant classified as benign is not then subjected to further curation. The score for this variant resulted in a classification of benign for this disease.

Breakthrough Genomics
Classification: Benign. Review status: criteria provided, single submitter. Criteria: ACMG Guidelines, 2015. Collection method: not provided. Allele origin: germline. Inheritance: Autosomal recessive inheritance. Affected: yes.

NM_003680.4(YARS1):c.*138G>A

Gene: YARS1 (tyrosyl-tRNA synthetase 1; minus strand). Cytogenetic location: 1p35.1.
Variant type: single nucleotide variant.
Coding change: c.*138G>A on transcript NM_003680.4 (MANE Select); 138 bases downstream of the stop codon, G replaced by A.
Molecular consequence: 3 prime UTR variant.
Genome position (GRCh38, 1-based): chr1:32,775,843, C>T on the plus strand (G>A on the coding strand, the complement: YARS1 is on the minus strand). VCF-style: chr1-32775843-C-T. GRCh37 (hg19) VCF-style: chr1-33241444-C-T.
Identifiers: ClinVar variation 297146 (VCV000297146.6), dbSNP rs41265857, ClinGen allele CA10610919.
Genomic context (GRCh38, chr1:32,775,843, plus strand): 5'-TCTCTCACTGCAGCCAGACAGGATGATCCTGGGTTCTGGGGAGGGTAAGCTGCCCCTTGC[C>T]GAGTTCTGCACCGAATAAAGAGTCCAAACCCGCTGCTTCCGTGTCCTGAGAGATGGGTAA-3'